The following is an entry in ClinVar:

ClinVar aggregate classification (germline): Uncertain significance (1 of 4 stars; one submission).

gnomAD v4.1: 1 of 1,614,052 alleles (0.000062%); highest among the groups gnomAD compares: Admixed American, 0.0017%; no homozygotes.

Submission:

Ambry Genetics
Classification: Uncertain significance. Last evaluated: 2023-04-14. Review status: criteria provided, single submitter. Criteria: Ambry Variant Classification Scheme 2023. Collection method: clinical testing. Allele origin: germline.
Comment: The p.P399L variant (also known as c.1196C>T), located in coding exon 5 of the EGLN2 gene, results from a C to T substitution at nucleotide position 1196. The proline at codon 399 is replaced by leucine, an amino acid with similar properties. This amino acid position is conserved. In addition, the in silico prediction for this alteration is inconclusive. Since supporting evidence is limited at this time, the clinical significance of this alteration remains unclear.

NM_080732.4(EGLN2):c.1196C>T (p.Pro399Leu)

Genes: EGLN2 (egl-9 family hypoxia inducible factor 2; plus strand), RAB4B-EGLN2 (RAB4B-EGLN2 readthrough (NMD candidate); plus strand). Cytogenetic location: 19q13.2.
Variant type: single nucleotide variant.
Coding change: c.1196C>T on transcript NM_080732.4 (MANE Select); coding-DNA position 1196, C replaced by T.
Protein change: p.Pro399Leu; replaces proline 399 with leucine.
Molecular consequence: missense variant. On other transcripts: non-coding transcript variant (1).
Genome position (GRCh38, 1-based): chr19:40,807,836, C>T. VCF-style: chr19-40807836-C-T. GRCh37 (hg19) VCF-style: chr19-41313741-C-T.
Other names: c.1196C>T, p.Pro399Leu (NM_053046.4); short protein forms P399L.
Identifiers: ClinVar variation 2561821 (VCV002561821.2), dbSNP rs1309413071, ClinGen allele CA405956917.
Genomic context (GRCh38, chr19:40,807,836, plus strand): 5'-GACTCACTGTCTCCTGTCCCCTCTCACCCCCAGCATCAGGACAGAAAGGTGTCCAAGTAC[C>T]TGTATCACAGCCGCCTACGCCCACCTAGTGGCCAGTCCCAGAGCCGCATGGCAGACAGCT-3'
Protein context (NP_542770.2, residues 389-407): LASGQKGVQV[Pro399Leu]VSQPPTPT